The following continues an entry in ClinVar:

NM_000492.4(CFTR):c.2991G>C (p.Leu997Phe)

ClinVar aggregate classification (germline): Conflicting classifications of pathogenicity. Pathogenic (4); Likely pathogenic (1); Uncertain significance (14); Benign (2); Likely benign (1).

Submissions 8 to 20 of 34:

Quest Diagnostics Nichols Institute San Juan Capistrano
Classification: Uncertain significance. Last evaluated: 2025-05-30. Review status: criteria provided, single submitter. Criteria: Quest Diagnostics criteria. Collection method: clinical testing. Allele origin: unknown.
Comment: The CFTR c.2991G>C (p.Leu997Phe) variant has been reported in individuals with cystic fibrosis (PMIDs: 38265526 (2024), 36409994 (2022), 33613790 (2021), 32819855 (2020), 26708955 (2016), 23613805 (2013), 17572159 (2008), 1379210 (1992)) and CFTR-related disorders (PMIDs: 37389024 (2023), 36446526 (2023), 36264955 (2022), 34755701 (2021), 33374015 (2020), 29589582 (2018), 26911355 (2016), 25797027 (2015), 23951356 (2013), 20460946 (2010), 18501000 (2008), 9921909 (1998), 9272157 (1997)). When this variant occurs as part of complex allele with the c.350G>T (p.Arg117Leu) variant, the affected individuals often presented with a more severe cystic fibrosis phenotype (PMIDs: 27738188 (2016), 25910067 (2015), 20706124 (2010)). The c.2991G>C (p.Leu997Phe) variant has also been associated with atypical CF or a variable phenotype (PMIDs: 37274939 (2023), 36238659 (2022), 21804385 (2011), 20706124 (2010)). Individuals who are homozygous for this variant have been reported to be asymptomatic (PMID: 15857421 (2005)) or affected with CFTR-related disorders (PMIDs: 20837875 (2011), 10571949 (1999)). Functional studies mostly indicated this variant has a damaging effect on protein function, although some residual CFTR activities are retained (PMIDs: 34761808 (2021), 25033378 (2014), 23891399 (2014), 23974870 (2013)). The frequency of this variant in the general population (Genome Aggregation Database) is uninformative in the assessment of its pathogenicity. Based on the available information, we are unable to determine the clinical significance of this variant.

Ambry Genetics
Classification: Uncertain significance for Cystic fibrosis. Last evaluated: 2025-02-07. Review status: criteria provided, single submitter. Criteria: Ambry Variant Classification Scheme 2023. Collection method: clinical testing. Allele origin: germline.
Comment: The p.L997F variant (also known as c.2991G>C), located in coding exon 19 of the CFTR gene, results from a G to C substitution at nucleotide position 2991. The leucine at codon 997 is replaced by phenylalanine, an amino acid with highly similar properties. This alteration is known to occur in isolation or as part of a complex allele, p.[R117L;L997F], and it is associated with a range of clinical outcomes (Stanke F et al. J. Med. Genet., 2008 Jan;45:47-54; Lucarelli M et al. Genet Med, 2010 Sep;12:548-55; Strom CM et al. Genet Med, 2011 Dec;13:1042-4; Lucarelli M et al. Mol Med, 2015 Apr;21:257-75; Terlizzi V et al. J. Med. Genet., 2017 04;54:224-235). Some individuals homozygous for p.L997F or compound heterozygous with a second CFTR mutation were reported to be asymptomatic, whereas others had intermediate sweat chloride levels and exhibited CFTR-related disorders, including congenital bilateral absence of the vas deferens, pancreatitis, and bronchiectasis. In contrast, the p.[R117L;L997F] complex allele is associated with a more severe phenotype and has been described in multiple homozygous or compound heterozygous individuals with elevated sweat chloride level and cystic fibrosis. In functional studies, p.R117L was shown to retain normal CFTR maturation/processing, but result in approximately 20% of wild-type CFTR function (Sosnay PR et al. Nat Genet, 2013 Oct;45:1160-7; Van Goor F et al. J. Cyst. Fibros., 2014 Jan;13:29-36). This amino acid position is highly conserved in available vertebrate species. In addition, this alteration is predicted to be deleterious by in silico analysis. Based on available evidence to date, this variant is unlikely to be causative of classic cystic fibrosis when it occurs in isolation; however, its contribution to the development of a CFTR-related disorder is uncertain. This alteration is thus classified as a variant of unknown significance.

Blueprint Genetics
Classification: Likely benign. Last evaluated: 2024-11-21. Review status: criteria provided, single submitter. Criteria: ACMG Guidelines, 2015. Collection method: clinical testing. Allele origin: germline.

Revvity Omics, Revvity
Classification: Uncertain significance. Last evaluated: 2024-09-26. Review status: criteria provided, single submitter. Criteria: ACMG Guidelines, 2015. Collection method: clinical testing. Allele origin: germline.

Fulgent Genetics
Classification: Uncertain significance for Hereditary pancreatitis; Bronchiectasis with or without elevated sweat chloride 1; Cystic fibrosis; Congenital bilateral aplasia of vas deferens from CFTR mutation. Last evaluated: 2024-06-06. Review status: criteria provided, single submitter. Criteria: ACMG Guidelines, 2015. Collection method: clinical testing. Allele origin: germline.

Department of Pathology and Laboratory Medicine, Sinai Health System
Classification: Uncertain significance for cystic fibrosis. Last evaluated: 2023-06-28. Review status: criteria provided, single submitter. Criteria: ACMG Guidelines, 2015. Collection method: research. Allele origin: germline.

Eurofins-Biomnis
Classification: Likely pathogenic for Cystic fibrosis. Last evaluated: 2022-12-01. Review status: criteria provided, single submitter. Criteria: Accession Criteria ClinVar Biomnis. Collection method: clinical testing. Allele origin: biparental. Affected: yes. Observed: 1 homozygote.

Institute of Reproductive Genetics, University of Münster
Classification: Pathogenic for Obstructive azoospermia. Last evaluated: 2022-03-16. Review status: criteria provided, single submitter. Criteria: ACMG Guidelines, 2015. Collection method: clinical testing. Allele origin: germline. Affected: yes. Observed: 1 variant allele.

Pars Genome Lab
Classification: Uncertain significance for Cystic fibrosis. Last evaluated: 2021-05-18. Review status: criteria provided, single submitter. Criteria: ACMG Guidelines, 2015. Collection method: clinical testing. Allele origin: germline. Affected: no.

Women's Health and Genetics/Laboratory Corporation of America, LabCorp
Classification: Benign. Last evaluated: 2020-11-12. Review status: criteria provided, single submitter. Criteria: LabCorp Variant Classification Summary - May 2015. Collection method: clinical testing. Allele origin: germline.
Comment: Variant summary: CFTR c.2991G>C (p.Leu997Phe) results in a non-conservative amino acid change located in the ABC transporter type 1, transmembrane domain of the encoded protein sequence. Four of five in-silico tools predict a damaging effect of the variant on protein function. The variant allele was found at a frequency of 0.0024 in 254424 control chromosomes in the gnomAD database, including 3 homozygotes. This frequency is not significantly higher than expected for a pathogenic variant in CFTR causing Cystic Fibrosis (0.0024 vs 0.013), allowing no conclusion about variant significance. c.2991G>C has been reported in the literature in patients with a wide range of atypical CFTR-related phenotypes such as bronchiectasis, pancreatitis, hypertrypsinemia, asthma, renal agenesis without a strong evidence of causality (example, Lebecque_2011, Tzetis_2001, Casals_2000, Padoan_2002); it is also found in ~ 1% of normal alleles from various studies. Of note, two homozygote individuals, one completely unaffected (Derichs_2005) and one only affected with allergic bronchopulmonary aspergillosis (ABPA) (Lebecque_2011) have been reported. The variant has also been found to be in cis with other CFTR deleterious variants such as deltaF508 (Fanen_1992), a large deletion spanning exons 2-9 of the CFTR gene (Schneider_2007, Strom_2011) and with R117L (Lucarelli_2010, classified as likely pathogenic) in CF patients supporting a benign outcome. Lastly, the variant has also been reported as having been co-inherited with a disease causing deletion spanning the entire SPINK1 gene in one family segregating with chronic pancreatitis (Masson_2007, cited in Bombieri_2011) supporting an alternative molecular basis of disease. These data indicate that the variant is unlikely to be associated with CF or any of its related variably expressive disease phenotypes. Reputed databases such as CFTR2 cite this variant as not disease causing (Sosnay_2013). In addition, functional studies suggest the variant could play a role in bicarbonate permeability relevant to organs in which CFTR is used for bicarbonate secretion (LaRush_2014) and has significantly reduced chloride conductance (Van Goor_2013), however the in vivo impact of these functional defects are unknown. Twelve clinical diagnostic laboratories have submitted clinical-significance assessments for this variant to ClinVar after 2014 without evidence for independent evaluation. Multiple laboratories reported the variant with conflicting assessments, at-least two other submitters report a benign/likely benign outcome. Based on the evidence outlined above, the variant in isolation was classified as benign for CF and associated phenotypes.

GeneDx
Classification: Uncertain significance. Last evaluated: 2018-12-27. Review status: criteria provided, single submitter. Criteria: GeneDx Variant Classification (06012015). Collection method: clinical testing. Allele origin: germline. Affected: yes.
Comment: The L997F variant in the CFTR gene has been reported previously in trans with another pathogenic CFTR variant in individuals with cystic fibrosis and atypical cystic fibrosis, as well as in asymptomatic individuals (Lucarelli et al., 2010; Strom et al., 2011; Schippa et al., 2013). It has been suggested that the presence of the R117L variant in cis with L997F as a complex allele may in part explain the variable phenotype observed in individuals with the L997F variant (Lucarelli et al., 2010). The L997F variant is observed in 59/10,146 (0.58%) alleles from individuals of Ashkenazi Jewish background in large population cohorts (Lek et al., 2016). The L997F variant is a conservative amino acid substitution, which is not likely to impact secondary protein structure as these residues share similar properties. Functional studies demonstrated that the L997F variant was associated with somewhat reduced chloride transport (VanGoor et al., 2014). We interpret L997F as a variant of uncertain significance.

Mendelics
Classification: Uncertain significance for Cystic fibrosis. Last evaluated: 2018-11-05. Review status: criteria provided, single submitter. Criteria: Mendelics Assertion Criteria 2017. Collection method: clinical testing. Allele origin: unknown. Affected: yes.

CFTR-France
Classification: Pathogenic for CFTR-related disorders. Last evaluated: 2018-01-29. Review status: criteria provided, single submitter. Criteria: Claustres M et al. (Hum Mutat 2017). Collection method: curation. Allele origin: germline. Affected: yes and no.